The following is an entry in ClinVar:

ClinVar aggregate classification (germline): Uncertain significance (1 of 4 stars; one submission).

Conditions:
Neuronal ceroid lipofuscinosis. Also called: Neuronal Ceroid Lipofuscinoses. Identifiers: Orphanet 216, Orphanet 79263, MedGen C0027877, MONDO:0016295. Disease mechanism: loss of function.

Submission:

Labcorp Genetics (formerly Invitae), Labcorp
Classification: Uncertain significance for Neuronal ceroid lipofuscinosis. Last evaluated: 2022-09-26. Review status: criteria provided, single submitter. Criteria: Invitae Variant Classification Sherloc (09022015). Collection method: clinical testing. Allele origin: germline.
Comment: This sequence change replaces arginine, which is basic and polar, with glycine, which is neutral and non-polar, at codon 106 of the CLN6 protein (p.Arg106Gly). This variant is not present in population databases (gnomAD no frequency). This variant has not been reported in the literature in individuals affected with CLN6-related conditions. Advanced modeling of protein sequence and biophysical properties (such as structural, functional, and spatial information, amino acid conservation, physicochemical variation, residue mobility, and thermodynamic stability) performed at Invitae indicates that this missense variant is not expected to disrupt CLN6 protein function. In summary, the available evidence is currently insufficient to determine the role of this variant in disease. Therefore, it has been classified as a Variant of Uncertain Significance.

NM_017882.3(CLN6):c.316C>G (p.Arg106Gly)

Gene: CLN6 (CLN6 transmembrane ER protein; minus strand). Cytogenetic location: 15q23.
Variant type: single nucleotide variant.
Coding change: c.316C>G on transcript NM_017882.3 (MANE Select); coding-DNA position 316, C replaced by G.
Protein change: p.Arg106Gly; replaces arginine 106 with glycine.
Molecular consequence: missense variant.
Genome position (GRCh38, 1-based): chr15:68,211,845, G>C on the plus strand (C>G on the coding strand, the complement: CLN6 is on the minus strand). VCF-style: chr15-68211845-G-C. GRCh37 (hg19) VCF-style: chr15-68504183-G-C.
Other names: c.412C>G, p.Arg138Gly (NM_001411068.1); short protein forms R106G, R138G.
Identifiers: ClinVar variation 2128681 (VCV002128681.4), dbSNP rs202226970, ClinGen allele CA392973673.
Genomic context (GRCh38, chr15:68,211,845, plus strand): 5'-TGCTGGCACCCATGATGAAGATGATGATGCTCACGTACGTGATGGAGCGTGGCAGGGTGC[G>C]GGGGGACCGCTCGATGAGCTGGGGTTCAGAGTGGGGTTGGCAGCATGACCCCACCTCTGT-3'
Protein context (NP_060352.1, residues 96-116): LLLKLIERSP[Arg106Gly]TLPRSITYVS